The following is an entry in ClinVar:

ClinVar aggregate classification (germline): Uncertain significance. Review status: criteria provided, single submitter (1 of 4 stars). 2 submissions from 2 submitters: Uncertain significance (1). 1 of the submissions does not count toward it. Last evaluated 2021-11-01.

Conditions:
CREBBP-related disorder. Also called: CREBBP-related disorders; CREBBP-related condition.
Rubinstein-Taybi syndrome (RSTS). Identifiers: Orphanet 783, MedGen C0035934, MONDO:0019188.

gnomAD v4.1: 11 of 1,489,174 alleles (0.00074%); highest among the groups gnomAD compares: Non-Finnish European, 0.00098%; no homozygotes.

Submissions (2):

Labcorp Genetics (formerly Invitae), Labcorp
Classification: Uncertain significance for Rubinstein-Taybi syndrome. Last evaluated: 2021-11-01. Review status: criteria provided, single submitter. Criteria: Invitae Variant Classification Sherloc (09022015). Collection method: clinical testing. Allele origin: germline.
Comment: This variant has not been reported in the literature in individuals affected with CREBBP-related conditions. The frequency data for this variant in the population databases is considered unreliable, as metrics indicate poor data quality at this position in the gnomAD database. This sequence change replaces alanine, which is neutral and non-polar, with valine, which is neutral and non-polar, at codon 1958 of the CREBBP protein (p.Ala1958Val). Advanced modeling of protein sequence and biophysical properties (such as structural, functional, and spatial information, amino acid conservation, physicochemical variation, residue mobility, and thermodynamic stability) performed at Invitae indicates that this missense variant is not expected to disrupt CREBBP protein function. In summary, the available evidence is currently insufficient to determine the role of this variant in disease. Therefore, it has been classified as a Variant of Uncertain Significance.

PreventionGenetics, part of Exact Sciences
Classification: Uncertain significance for CREBBP-related condition. Last evaluated: 2024-06-11. Review status: no assertion criteria provided. Collection method: clinical testing. Allele origin: germline. Not counted in ClinVar's aggregate classification.
Comment: The CREBBP c.5873C>T variant is predicted to result in the amino acid substitution p.Ala1958Val. This variant occurs in exon 31 of the CREBBP gene. To our knowledge, this variant has not been reported in the literature. This variant is reported in 0.0018% of alleles in individuals of European (Non-Finnish) descent in gnomAD. At this time, the clinical significance of this variant is uncertain due to the absence of conclusive functional and genetic evidence.

NM_004380.3(CREBBP):c.5873C>T (p.Ala1958Val)

Gene: CREBBP (CREB binding lysine acetyltransferase; minus strand). Cytogenetic location: 16p13.3.
Variant type: single nucleotide variant.
Coding change: c.5873C>T on transcript NM_004380.3 (MANE Select); coding-DNA position 5873, C replaced by T.
Protein change: p.Ala1958Val; replaces alanine 1958 with valine.
Molecular consequence: missense variant.
Genome position (GRCh38, 1-based): chr16:3,729,174, G>A on the plus strand (C>T on the coding strand, the complement: CREBBP is on the minus strand). VCF-style: chr16-3729174-G-A. GRCh37 (hg19) VCF-style: chr16-3779175-G-A.
Other names: c.5759C>T, p.Ala1920Val (NM_001079846.1); c.5873C>T (NM_004380.2); short protein forms A1958V, A1920V.
Identifiers: ClinVar variation 1366892 (VCV001366892.7), dbSNP rs986406817, ClinGen allele CA276971959.